The following is an entry in ClinVar:

ClinVar aggregate classification (germline): Uncertain significance. Review status: criteria provided, multiple submitters, no conflicts (2 of 4 stars). 2 submissions from 2 submitters: Uncertain significance (2). Last evaluated 2023-02-12.

Conditions:
Microcephaly-intellectual disability-sensorineural hearing loss-epilepsy-abnormal muscle tone syndrome (NEDHSB). Also called: NEURODEVELOPMENTAL DISORDER WITH HEARING LOSS, SEIZURES, AND BRAIN ABNORMALITIES. Identifiers: Orphanet 457351, MedGen C4225276, MONDO:0014698, OMIM 616577.

Allele frequency attached by ClinVar (database versions not stated): gnomAD exomes below 0.00001; ExAC 0.00001; TOPMed 0.00001.
gnomAD v4.1: 1 of 1,612,882 alleles (0.000062%); highest among the groups gnomAD compares: African/African-American, 0.0013%; no homozygotes.

Submissions (2):

GeneDx
Classification: Uncertain significance. Last evaluated: 2023-02-12. Review status: criteria provided, single submitter. Criteria: GeneDx Variant Classification Process June 2021. Collection method: clinical testing. Allele origin: germline. Affected: yes.
Comment: Not observed at significant frequency in large population cohorts (gnomAD); In silico analysis supports that this missense variant has a deleterious effect on protein structure/function; Has not been previously published as pathogenic or benign to our knowledge

Labcorp Genetics (formerly Invitae), Labcorp
Classification: Uncertain significance for Microcephaly-intellectual disability-sensorineural hearing loss-epilepsy-abnormal muscle tone syndrome. Last evaluated: 2022-01-14. Review status: criteria provided, single submitter. Criteria: Invitae Variant Classification Sherloc (09022015). Collection method: clinical testing. Allele origin: germline.
Comment: This sequence change replaces glutamic acid, which is acidic and polar, with glycine, which is neutral and non-polar, at codon 706 of the SPATA5 protein (p.Glu706Gly). This variant is present in population databases (rs757427948, gnomAD 0.007%). This variant has not been reported in the literature in individuals affected with SPATA5-related conditions. ClinVar contains an entry for this variant (Variation ID: 862535). Advanced modeling of protein sequence and biophysical properties (such as structural, functional, and spatial information, amino acid conservation, physicochemical variation, residue mobility, and thermodynamic stability) performed at Invitae indicates that this missense variant is expected to disrupt SPATA5 protein function. In summary, the available evidence is currently insufficient to determine the role of this variant in disease. Therefore, it has been classified as a Variant of Uncertain Significance.

NM_145207.3(AFG2A):c.2117A>G (p.Glu706Gly)

Gene: AFG2A (AAA ATPase AFG2A; plus strand). Cytogenetic location: 4q28.1.
Variant type: single nucleotide variant.
Coding change: c.2117A>G on transcript NM_145207.3 (MANE Select); coding-DNA position 2117, A replaced by G.
Protein change: p.Glu706Gly; replaces glutamic acid 706 with glycine.
Molecular consequence: missense variant.
Genome position (GRCh38, 1-based): chr4:123,056,424, A>G. VCF-style: chr4-123056424-A-G. GRCh37 (hg19) VCF-style: chr4-123977579-A-G.
Other names: c.2114A>G, p.Glu705Gly (NM_001345856.2); short protein forms E705G, E706G.
Identifiers: ClinVar variation 862535 (VCV000862535.7), dbSNP rs757427948, ClinGen allele CA3070641.